The following is an entry in ClinVar:

ClinVar aggregate classification (germline): Likely benign. Review status: criteria provided, multiple submitters, no conflicts (2 of 4 stars). 3 submissions from 3 submitters: Likely benign (3). Last evaluated 2025-05-25.

Conditions:
Tuberous sclerosis syndrome (TSC). Also called: Tuberous Sclerosis Complex; Tuberous sclerosis. Identifiers: Orphanet 805, MedGen C0041341, MONDO:0001734.
Tuberous sclerosis 2 (TSC2). Identifiers: Orphanet 805, MedGen C1860707, MONDO:0013199, OMIM 613254.

gnomAD v4.1: 10 of 1,608,904 alleles (0.00062%); highest among the groups gnomAD compares: Non-Finnish European, 0.00085%; no homozygotes.

Submissions (3):

Labcorp Genetics (formerly Invitae), Labcorp
Classification: Likely benign for Tuberous sclerosis 2. Last evaluated: 2025-05-25. Review status: criteria provided, single submitter. Criteria: Invitae Variant Classification Sherloc (09022015). Collection method: clinical testing. Allele origin: germline.

Myriad Genetics, Inc.
Classification: Likely benign for Tuberous sclerosis 2. Last evaluated: 2025-05-08. Review status: criteria provided, single submitter. Criteria: Myriad Autosomal Dominant, Autosomal Recessive and X-Linked Classification Criteria (2023). Collection method: clinical testing. Allele origin: unknown.
Comment: This variant is considered likely benign. This variant is intronic and is not expected to impact mRNA splicing.

All of Us Research Program, National Institutes of Health
Classification: Likely benign for Tuberous sclerosis syndrome. Last evaluated: 2024-03-24. Review status: criteria provided, single submitter. Criteria: ACMG Guidelines, 2015. Collection method: clinical testing. Allele origin: germline. Inheritance: Autosomal dominant inheritance. Observed: 1 variant allele, 1 heterozygote.
Comment: This study involves interpretation of variants in research participants for the purpose of population health screening. Participant phenotype was not available at the time of variant classification. Additional details can be found in publication PMID: 35346344, PMCID: PMC8962531

NM_000548.5(TSC2):c.649-11C>T

Gene: TSC2 (TSC complex subunit 2; plus strand). Cytogenetic location: 16p13.3.
Variant type: single nucleotide variant.
Coding change: c.649-11C>T on transcript NM_000548.5 (MANE Select); 11 bases into the intron before coding-DNA position 649, C replaced by T.
Molecular consequence: intron variant.
Genome position (GRCh38, 1-based): chr16:2,056,633, C>T. VCF-style: chr16-2056633-C-T. GRCh37 (hg19) VCF-style: chr16-2106634-C-T.
Other names: c.-783-11C>T (NM_001406693.1, NM_001406689.1, NM_001406690.1 and 3 more transcripts); c.739-11C>T (NM_001406667.1, NM_001406668.1); c.49-11C>T (NM_001406680.1, NM_001406683.1, NM_001406687.1 and 6 more transcripts); c.-959-11C>T (NM_001406698.1); c.649-11C>T (NM_001114382.3, NM_001406663.1, NM_001406664.1 and 6 more transcripts); c.-664-11C>T (NM_001406694.1, NM_001406695.1); c.-771-23C>T (NM_001406696.1); c.649-23C>T (NM_001406671.1, NM_001406673.1); and 5 more.
Identifiers: ClinVar variation 3386158 (VCV003386158.4).